The following is an entry in ClinVar:

NM_020923.3(ZDBF2):c.1204A>G (p.Arg402Gly)

Gene: ZDBF2 (zinc finger DBF-type containing 2; plus strand). Cytogenetic location: 2q33.3.
Variant type: single nucleotide variant.
Coding change: c.1204A>G on transcript NM_020923.3 (MANE Select); coding-DNA position 1204, A replaced by G.
Protein change: p.Arg402Gly; replaces arginine 402 with glycine.
Molecular consequence: missense variant.
Genome position (GRCh38, 1-based): chr2:206,305,732, A>G. VCF-style: chr2-206305732-A-G. GRCh37 (hg19) VCF-style: chr2-207170456-A-G.
Other names: c.1204A>G (NM_020923.1); c.1198A>G, p.Arg400Gly (NM_001285549.2); c.1204A>G, p.Arg402Gly (NM_001369654.1); short protein forms R402G, R400G.
Identifiers: ClinVar variation 2177084 (VCV002177084.6), dbSNP rs190625973, ClinGen allele CA2071819.

ClinVar aggregate classification (germline): Uncertain significance. Review status: criteria provided, multiple submitters, no conflicts (2 of 4 stars). 2 submissions from 2 submitters: Uncertain significance (2). Last evaluated 2024-08-21.

Allele frequency attached by ClinVar (database versions not stated): gnomAD exomes 0.00002; ExAC 0.00007; ESP Exome Variant Server 0.00025; gnomAD 0.00032; 1000 Genomes Project 0.00040; TOPMed 0.00047; 1000 Genomes Project 30x 0.00062.
gnomAD v4.1: 84 of 1,613,778 alleles (0.0052%); highest among the groups gnomAD compares: African/African-American, 0.088%; no homozygotes.

Submissions (2):

Ambry Genetics
Classification: Uncertain significance. Last evaluated: 2024-08-21. Review status: criteria provided, single submitter. Criteria: Ambry Variant Classification Scheme 2023. Collection method: clinical testing. Allele origin: germline.

Labcorp Genetics (formerly Invitae), Labcorp
Classification: Uncertain significance. Last evaluated: 2022-11-01. Review status: criteria provided, single submitter. Criteria: Invitae Variant Classification Sherloc (09022015). Collection method: clinical testing. Allele origin: germline.
Comment: This sequence change replaces arginine, which is basic and polar, with glycine, which is neutral and non-polar, at codon 402 of the ZDBF2 protein (p.Arg402Gly). This variant is present in population databases (rs190625973, gnomAD 0.07%), and has an allele count higher than expected for a pathogenic variant. In summary, the available evidence is currently insufficient to determine the role of this variant in disease. Therefore, it has been classified as a Variant of Uncertain Significance. Algorithms developed to predict the effect of missense changes on protein structure and function output the following: SIFT: "Deleterious"; PolyPhen-2: "Possibly Damaging"; Align-GVGD: "Class C0". The glycine amino acid residue is found in multiple mammalian species, which suggests that this missense change does not adversely affect protein function. This variant has not been reported in the literature in individuals affected with ZDBF2-related conditions.